The following is an entry in ClinVar:

ClinVar aggregate classification (germline): Pathogenic/Likely pathogenic. Review status: criteria provided, multiple submitters, no conflicts (2 of 4 stars). 2 submissions from 2 submitters: Pathogenic (1); Likely pathogenic (1). Last evaluated 2025-10-20.

Conditions:
Primary ciliary dyskinesia. Also called: Ciliary dyskinesia. Identifiers: Orphanet 244, MedGen C0008780, MONDO:0016575, HP:0012265.

Allele frequency attached by ClinVar (database versions not stated): gnomAD exomes below 0.00001.
gnomAD v4.1: 3 of 1,614,144 alleles (0.00019%); highest among the groups gnomAD compares: Non-Finnish European, 0.00025%; no homozygotes.

Submissions (2):

Natera, Inc.
Classification: Likely pathogenic for Primary ciliary dyskinesia. Last evaluated: 2025-10-20. Review status: criteria provided, single submitter. Criteria: Natera Variant Classification Schema (03/2026). Collection method: clinical testing. Allele origin: germline.
Comment: The c.6025C>T variant in DNAH5 is a nonsense variant predicted to introduce a stop codon at amino acid 2009. This variant is expected to result in nonsense mediated decay, truncation, or a dysfunctional protein product. This variant is rare in the general population with a frequency below the threshold expected for the associated phenotype(s). Given the available evidence, this variant is classified as Likely Pathogenic.

Labcorp Genetics (formerly Invitae), Labcorp
Classification: Pathogenic for Primary ciliary dyskinesia. Last evaluated: 2022-12-25. Review status: criteria provided, single submitter. Criteria: Invitae Variant Classification Sherloc (09022015). Collection method: clinical testing. Allele origin: germline.
Comment: This sequence change creates a premature translational stop signal (p.Gln2009*) in the DNAH5 gene. It is expected to result in an absent or disrupted protein product. Loss-of-function variants in DNAH5 are known to be pathogenic (PMID: 11788826, 16627867). This variant is not present in population databases (gnomAD no frequency). This variant has not been reported in the literature in individuals affected with DNAH5-related conditions. For these reasons, this variant has been classified as Pathogenic.

Literature cited by the submitters: PubMed 11788826 (cited by Labcorp Genetics (formerly Invitae), Labcorp); PubMed 16627867 (cited by Labcorp Genetics (formerly Invitae), Labcorp).

NM_001369.3(DNAH5):c.6025C>T (p.Gln2009Ter)

Gene: DNAH5 (dynein axonemal heavy chain 5; minus strand). Cytogenetic location: 5p15.2.
Variant type: single nucleotide variant.
Coding change: c.6025C>T on transcript NM_001369.3 (MANE Select); coding-DNA position 6025, C replaced by T.
Protein change: p.Gln2009Ter; replaces glutamine 2009 with a stop codon.
Molecular consequence: nonsense.
Genome position (GRCh38, 1-based): chr5:13,830,633, G>A on the plus strand (C>T on the coding strand, the complement: DNAH5 is on the minus strand). VCF-style: chr5-13830633-G-A. GRCh37 (hg19) VCF-style: chr5-13830742-G-A.
Other names: c.6025C>T (NM_001369.2); short protein forms Q2009*.
Identifiers: ClinVar variation 1964002 (VCV001964002.7), dbSNP rs1763540075, ClinGen allele CA359202312.